The following is an entry in ClinVar:

ClinVar aggregate classification (germline): Uncertain significance. Review status: criteria provided, multiple submitters, no conflicts (2 of 4 stars). 2 submissions from 2 submitters: Uncertain significance (2). Last evaluated 2025-04-12.

Conditions:
Inborn genetic diseases. Identifiers: MedGen C0950123, MeSH D030342.
Sulfite oxidase deficiency. Also called: Isolated sulfite oxidase deficiency. Identifiers: Orphanet 833, Orphanet 99731, MedGen C0268624, MONDO:0010089, OMIM 272300, HP:0003643.

Allele frequency attached by ClinVar (database versions not stated): ExAC 0.00002; gnomAD exomes 0.00002 and 0.00004; TOPMed 0.00002; gnomAD 0.00003 and 0.00004.
gnomAD v4.1: 57 of 1,613,996 alleles (0.0035%); highest among the groups gnomAD compares: African/African-American, 0.0067%; no homozygotes.

Submissions (2):

Ambry Genetics
Classification: Uncertain significance for Inborn genetic diseases. Last evaluated: 2025-04-12. Review status: criteria provided, single submitter. Criteria: Ambry Variant Classification Scheme 2023. Collection method: clinical testing. Allele origin: germline.

Labcorp Genetics (formerly Invitae), Labcorp
Classification: Uncertain significance for Sulfite oxidase deficiency. Last evaluated: 2024-11-28. Review status: criteria provided, single submitter. Criteria: Invitae Variant Classification Sherloc (09022015). Collection method: clinical testing. Allele origin: germline.
Comment: This sequence change replaces isoleucine, which is neutral and non-polar, with valine, which is neutral and non-polar, at codon 84 of the SUOX protein (p.Ile84Val). This variant is present in population databases (rs776955991, gnomAD 0.009%). This variant has not been reported in the literature in individuals affected with SUOX-related conditions. ClinVar contains an entry for this variant (Variation ID: 1347113). Invitae Evidence Modeling of protein sequence and biophysical properties (such as structural, functional, and spatial information, amino acid conservation, physicochemical variation, residue mobility, and thermodynamic stability) indicates that this missense variant is not expected to disrupt SUOX protein function with a negative predictive value of 95%. In summary, the available evidence is currently insufficient to determine the role of this variant in disease. Therefore, it has been classified as a Variant of Uncertain Significance.

NM_001032386.2(SUOX):c.250A>G (p.Ile84Val)

Gene: SUOX (sulfite oxidase; plus strand). Cytogenetic location: 12q13.2.
Variant type: single nucleotide variant.
Coding change: c.250A>G on transcript NM_001032386.2 (MANE Select); coding-DNA position 250, A replaced by G.
Protein change: p.Ile84Val; replaces isoleucine 84 with valine.
Molecular consequence: missense variant.
Genome position (GRCh38, 1-based): chr12:56,003,639, A>G. VCF-style: chr12-56003639-A-G. GRCh37 (hg19) VCF-style: chr12-56397423-A-G.
Other names: c.250A>G, p.Ile84Val (NM_000456.3, NM_001032387.2); c.250A>G (NM_000456.2); short protein forms I84V.
Identifiers: ClinVar variation 1347113 (VCV001347113.8), dbSNP rs776955991, ClinGen allele CA6620944.